The following is an entry in ClinVar:

ClinVar aggregate classification (germline): Uncertain significance. Review status: criteria provided, multiple submitters, no conflicts (2 of 4 stars). 6 submissions from 6 submitters: Uncertain significance (6). Last evaluated 2024-03-06.

Conditions:
Cardiovascular phenotype. Identifiers: MedGen CN230736.
Catecholaminergic polymorphic ventricular tachycardia (CVPT). Also called: Catecholamine-induced polymorphic ventricular tachycardia. Identifiers: Orphanet 3286, MedGen C5574922, MONDO:0017990.
Cardiomyopathy (CMYO). Also called: Cardiomyopathies. Identifiers: Orphanet 167848, MedGen C0878544, MONDO:0004994, HP:0001638. Inheritance: Various modes of inheritance.
Catecholaminergic polymorphic ventricular tachycardia 1. Also called: VENTRICULAR TACHYCARDIA, STRESS-INDUCED POLYMORPHIC 1; VENTRICULAR TACHYCARDIA, CATECHOLAMINERGIC POLYMORPHIC, 1, WITH OR WITHOUT ATRIAL DYSFUNCTION AND/OR DILATED CARDIOMYOPATHY; RYR2-Related Catecholaminergic Polymorphic Ventricular Tachycardia. Identifiers: Orphanet 3286, MedGen C1631597, MONDO:0011484, OMIM 604772.

Allele frequency attached by ClinVar (database versions not stated): gnomAD 0.00001 and 0.00004; gnomAD exomes 0.00002 and 0.00004; TOPMed 0.00004; ExAC 0.00006; ESP Exome Variant Server 0.00016.
gnomAD v4.1: 28 of 1,613,754 alleles (0.0017%); highest among the groups gnomAD compares: Middle Eastern, 0.016%; no homozygotes.

Submissions (6):

Color Diagnostics, LLC DBA Color Health
Classification: Uncertain significance for Cardiomyopathy. Last evaluated: 2024-03-06. Review status: criteria provided, single submitter. Criteria: ACMG Guidelines, 2015. Collection method: clinical testing. Allele origin: germline.
Comment: This missense variant replaces methionine with valine at codon 3231 of the RYR2 protein. Computational prediction suggests that this variant may not impact protein structure and function (internally defined REVEL score threshold <= 0.5, PMID: 27666373). To our knowledge, functional studies have not been reported for this variant. This variant has not been reported in individuals affected with cardiovascular disorders in the literature. This variant has been identified in 10/249100 chromosomes in the general population by the Genome Aggregation Database (gnomAD). The available evidence is insufficient to determine the role of this variant in disease conclusively. Therefore, this variant is classified as a Variant of Uncertain Significance.

All of Us Research Program, National Institutes of Health
Classification: Uncertain significance for Catecholaminergic polymorphic ventricular tachycardia. Last evaluated: 2023-11-20. Review status: criteria provided, single submitter. Criteria: ACMG Guidelines, 2015. Collection method: clinical testing. Allele origin: germline. Inheritance: Autosomal dominant inheritance. Observed: 6 variant alleles, 6 heterozygotes.
Comment: This missense variant replaces methionine with valine at codon 3231 of the RYR2 protein. Computational prediction suggests that this variant may not impact protein structure and function (internally defined REVEL score threshold <= 0.5, PMID: 27666373). To our knowledge, functional studies have not been reported for this variant. This variant has not been reported in individuals affected with cardiovascular disorders in the literature. This variant has been identified in 10/249100 chromosomes in the general population by the Genome Aggregation Database (gnomAD). The available evidence is insufficient to determine the role of this variant in disease conclusively. Therefore, this variant is classified as a Variant of Uncertain Significance.

This study involves interpretation of variants in research participants for the purpose of population health screening. Participant phenotype was not available at the time of variant classification. Additional details can be found in publication PMID: 35346344, PMCID: PMC8962531

GeneDx
Classification: Uncertain significance. Last evaluated: 2023-02-15. Review status: criteria provided, single submitter. Criteria: GeneDx Variant Classification Process June 2021. Collection method: clinical testing. Allele origin: germline. Affected: yes.
Comment: Has not been previously published as pathogenic or benign to our knowledge; Not located in one of the three hot-spot regions of the RYR2 gene, where the majority of pathogenic missense variants occur (Medeiros-Domingo et al., 2009); In silico analysis supports that this missense variant has a deleterious effect on protein structure/function

Labcorp Genetics (formerly Invitae), Labcorp
Classification: Uncertain significance for Catecholaminergic polymorphic ventricular tachycardia 1. Last evaluated: 2022-10-17. Review status: criteria provided, single submitter. Criteria: Invitae Variant Classification Sherloc (09022015). Collection method: clinical testing. Allele origin: germline.
Comment: Advanced modeling of protein sequence and biophysical properties (such as structural, functional, and spatial information, amino acid conservation, physicochemical variation, residue mobility, and thermodynamic stability) performed at Invitae indicates that this missense variant is not expected to disrupt RYR2 protein function. In summary, the available evidence is currently insufficient to determine the role of this variant in disease. Therefore, it has been classified as a Variant of Uncertain Significance. ClinVar contains an entry for this variant (Variation ID: 1015528). This variant has not been reported in the literature in individuals affected with RYR2-related conditions. This variant is present in population databases (rs374899980, gnomAD 0.007%). This sequence change replaces methionine, which is neutral and non-polar, with valine, which is neutral and non-polar, at codon 3231 of the RYR2 protein (p.Met3231Val).

Mayo Clinic Laboratories, Mayo Clinic
Classification: Uncertain significance. Last evaluated: 2021-06-30. Review status: criteria provided, single submitter. Criteria: ACMG Guidelines, 2015. Collection method: clinical testing. Allele origin: germline.

Ambry Genetics
Classification: Uncertain significance for Cardiovascular phenotype. Last evaluated: 2020-08-20. Review status: criteria provided, single submitter. Criteria: Ambry Variant Classification Scheme 2023. Collection method: clinical testing. Allele origin: germline.
Comment: The p.M3231V variant (also known as c.9691A>G), located in coding exon 68 of the RYR2 gene, results from an A to G substitution at nucleotide position 9691. The methionine at codon 3231 is replaced by valine, an amino acid with highly similar properties. This amino acid position is highly conserved in available vertebrate species. In addition, the in silico prediction for this alteration is inconclusive. Since supporting evidence is limited at this time, the clinical significance of this alteration remains unclear.

NM_001035.3(RYR2):c.9691A>G (p.Met3231Val)

Gene: RYR2 (ryanodine receptor 2; plus strand). Cytogenetic location: 1q43.
Variant type: single nucleotide variant.
Coding change: c.9691A>G on transcript NM_001035.3 (MANE Select); coding-DNA position 9691, A replaced by G.
Protein change: p.Met3231Val; replaces methionine 3231 with valine.
Molecular consequence: missense variant.
Genome position (GRCh38, 1-based): chr1:237,707,059, A>G. VCF-style: chr1-237707059-A-G. GRCh37 (hg19) VCF-style: chr1-237870359-A-G.
Other names: p.Met3231Val; short protein forms M3231V.
Identifiers: ClinVar variation 1015528 (VCV001015528.16), dbSNP rs374899980, ClinGen allele CA087945.